The following is an entry in ClinVar:

NM_001378778.1(MPDZ):c.2764A>T (p.Ser922Cys)

Gene: MPDZ (multiple PDZ domain crumbs cell polarity complex component; minus strand). Cytogenetic location: 9p23.
Variant type: single nucleotide variant.
Coding change: c.2764A>T on transcript NM_001378778.1 (MANE Select); coding-DNA position 2764, A replaced by T.
Protein change: p.Ser922Cys; replaces serine 922 with cysteine.
Molecular consequence: missense variant.
Genome position (GRCh38, 1-based): chr9:13,176,303, T>A on the plus strand (A>T on the coding strand, the complement: MPDZ is on the minus strand). VCF-style: chr9-13176303-T-A. GRCh37 (hg19) VCF-style: chr9-13176302-T-A.
Other names: c.2764A>T, p.Ser922Cys (NM_001261406.2, NM_001261407.2, NM_001330637.2 and 14 more transcripts); short protein forms S922C.
Identifiers: ClinVar variation 1971949 (VCV001971949.5), dbSNP rs771592707, ClinGen allele CA372935288.

ClinVar aggregate classification (germline): Uncertain significance (1 of 4 stars; one submission).

Allele frequency attached by ClinVar (database versions not stated): gnomAD 0.00001; TOPMed 0.00001.
gnomAD v4.1: 2 of 1,610,210 alleles (0.00012%); highest among the groups gnomAD compares: Admixed American, 0.0017%; no homozygotes.

Submission:

Labcorp Genetics (formerly Invitae), Labcorp
Classification: Uncertain significance. Last evaluated: 2022-03-13. Review status: criteria provided, single submitter. Criteria: Invitae Variant Classification Sherloc (09022015). Collection method: clinical testing. Allele origin: germline.
Comment: This variant is not present in population databases (gnomAD no frequency). In summary, the available evidence is currently insufficient to determine the role of this variant in disease. Therefore, it has been classified as a Variant of Uncertain Significance. Algorithms developed to predict the effect of missense changes on protein structure and function are either unavailable or do not agree on the potential impact of this missense change (SIFT: "Deleterious"; PolyPhen-2: "Benign"; Align-GVGD: "Class C15"). This variant has not been reported in the literature in individuals affected with MPDZ-related conditions. This sequence change replaces serine, which is neutral and polar, with cysteine, which is neutral and slightly polar, at codon 922 of the MPDZ protein (p.Ser922Cys).